The following is an entry in ClinVar:

ClinVar aggregate classification (germline): Pathogenic (1 of 4 stars; one submission).

Submission:

Quest Diagnostics Nichols Institute San Juan Capistrano
Classification: Pathogenic. Last evaluated: 2022-04-12. Review status: criteria provided, single submitter. Criteria: ACMG/ClinGen CNV Guidelines, 2019. Collection method: clinical testing. Allele origin: unknown.
Comment: The copy number loss of 1q25.2q31.2 involves multiple coding genes across multiple chromosomal bands and is expected to cause phenotypic and/or developmental abnormalities. It includes multiple genes associated with autosomal dominant disorders: LHX4 (OMIM 602146), XPR1 (OMIM 605237), CACNA1E (OMIM 601013), RNASEL (OMIM 180435), IVNS1ABP (OMIM 609209), and HMCN1 (OMIM 608548). Among these, loss-of-function of LHX4 has been associated with autosomal dominant combined pituitary hormone deficiency-4 (OMIM 262700), which causes growth deficiency due to impaired production of growth hormone and one or more anterior pituitary hormones. This deletion interval also overlaps the region of intermediate 1q25-q32 deletion syndrome, which is characterized by pre- and/or postnatal growth retardation, psychomotor retardation, lip and palate anomalies, genital abnormalities, terminal limb defects, cardiac anomalies, microcephaly, and dysmorphic features. The severity of the clinical phenotype seems to be correlated with the size of the deletion (Hu et al., Mol Cytogenet 2013;6(1):30, PMID: 23915434). LHX4 has been suggested as one of the two strongest candidates for growth retardation in the 1q25-q32 region.

GRCh37/hg19 1q25.2-31.2(chr1:179727182-192260142)x1

Genes: ACBD6 (acyl-CoA binding domain containing 6; minus strand), APOBEC4 (apolipoprotein B mRNA editing enzyme catalytic polypeptide like 4; minus strand), ARPC5 (actin related protein 2/3 complex subunit 5; minus strand), BRINP3 (BMP/retinoic acid inducible neural specific 3; minus strand), C1orf21 (chromosome 1 open reading frame 21; plus strand) and 45 more. Cytogenetic location: 1q25.2-31.2.
Variant type: copy number loss.
Change: copy number 1 (one copy instead of two) of chr1:179,727,182-192,260,142 (12.53 Mb, GRCh37 coordinates, 1-based), cytogenetic band 1q25.2-31.2.
Identifiers: ClinVar variation 1808632 (VCV001808632.1).